The following is an entry in ClinVar:

ClinVar aggregate classification (germline): Uncertain significance (1 of 4 stars; one submission).

Allele frequency attached by ClinVar (database versions not stated): gnomAD exomes below 0.00001; ExAC 0.00001; TOPMed 0.00002; gnomAD 0.00003.
gnomAD v4.1: 6 of 1,613,950 alleles (0.00037%); highest among the groups gnomAD compares: African/African-American, 0.008%; no homozygotes.

Submission:

Labcorp Genetics (formerly Invitae), Labcorp
Classification: Uncertain significance. Last evaluated: 2022-06-13. Review status: criteria provided, single submitter. Criteria: Invitae Variant Classification Sherloc (09022015). Collection method: clinical testing. Allele origin: germline.
Comment: This sequence change replaces aspartic acid, which is acidic and polar, with histidine, which is basic and polar, at codon 2717 of the VCAN protein (p.Asp2717His). In summary, the available evidence is currently insufficient to determine the role of this variant in disease. Therefore, it has been classified as a Variant of Uncertain Significance. Algorithms developed to predict the effect of missense changes on protein structure and function are either unavailable or do not agree on the potential impact of this missense change (SIFT: "Deleterious"; PolyPhen-2: "Probably Damaging"; Align-GVGD: "Class C0"). This variant has not been reported in the literature in individuals affected with VCAN-related conditions. This variant is present in population databases (rs779745426, gnomAD 0.008%).

NM_004385.5(VCAN):c.8149G>C (p.Asp2717His)

Genes: VCAN (versican; plus strand), VCAN-AS1 (VCAN antisense RNA 1; minus strand). Cytogenetic location: 5q14.3.
Variant type: single nucleotide variant.
Coding change: c.8149G>C on transcript NM_004385.5 (MANE Select); coding-DNA position 8149, G replaced by C.
Protein change: p.Asp2717His; replaces aspartic acid 2717 with histidine.
Molecular consequence: missense variant. On other transcripts: intron variant (2).
Genome position (GRCh38, 1-based): chr5:83,541,152, G>C. VCF-style: chr5-83541152-G-C. GRCh37 (hg19) VCF-style: chr5-82836971-G-C.
Other names: c.5188G>C, p.Asp1730His (NM_001164097.2); c.4004-4385G>C (NM_001164098.2); c.1043-4385G>C (NM_001126336.3); short protein forms D2717H, D1730H.
Identifiers: ClinVar variation 1381836 (VCV001381836.8), dbSNP rs779745426, ClinGen allele CA3333760.